The following is an entry in ClinVar:

ClinVar aggregate classification (germline): Uncertain significance (1 of 4 stars; one submission).

Conditions:
Baller-Gerold syndrome (BGS). Also called: CRANIOSYNOSTOSIS WITH RADIAL DEFECTS. Identifiers: Orphanet 1225, MedGen C0265308, MONDO:0009039, OMIM 218600.

Submission:

Labcorp Genetics (formerly Invitae), Labcorp
Classification: Uncertain significance for Baller-Gerold syndrome. Last evaluated: 2021-08-23. Review status: criteria provided, single submitter. Criteria: Invitae Variant Classification Sherloc (09022015). Collection method: clinical testing. Allele origin: germline.
Comment: This sequence change replaces glutamine with histidine at codon 1205 of the RECQL4 protein (p.Gln1205His). The glutamine residue is weakly conserved and there is a small physicochemical difference between glutamine and histidine. This variant is not present in population databases (ExAC no frequency). This variant has not been reported in the literature in individuals affected with RECQL4-related conditions. In summary, the available evidence is currently insufficient to determine the role of this variant in disease. Therefore, it has been classified as a Variant of Uncertain Significance. Experimental studies and prediction algorithms are not available or were not evaluated, and the functional significance of this variant is currently unknown.

NM_004260.4(RECQL4):c.3615G>C (p.Gln1205His)

Gene: RECQL4 (RecQ like helicase 4; minus strand). Cytogenetic location: 8q24.3.
Variant type: single nucleotide variant.
Coding change: c.3615G>C on transcript NM_004260.4 (MANE Select); coding-DNA position 3615, G replaced by C.
Protein change: p.Gln1205His; replaces glutamine 1205 with histidine.
Molecular consequence: missense variant.
Genome position (GRCh38, 1-based): chr8:144,511,443, C>G on the plus strand (G>C on the coding strand, the complement: RECQL4 is on the minus strand). VCF-style: chr8-144511443-C-G. GRCh37 (hg19) VCF-style: chr8-145736826-C-G.
Other names: short protein forms Q1205H.
Identifiers: ClinVar variation 1412983 (VCV001412983.6), dbSNP rs1586786914, ClinGen allele CA372665583.